The following is an entry in ClinVar:

ClinVar aggregate classification (germline): Likely pathogenic. Review status: criteria provided, single submitter (1 of 4 stars). 2 submissions from 2 submitters: Likely pathogenic (1). 1 of the submissions does not count toward it. Last evaluated 2025-07-16.

Conditions:
Autosomal dominant keratitis-ichthyosis-hearing loss syndrome. Also called: HID SYNDROME; KID SYNDROME, AUTOSOMAL DOMINANT; Senter syndrome. Identifiers: Orphanet 477, MedGen C0265336, MONDO:0007850, OMIM 148210.
Autosomal recessive nonsyndromic hearing loss 1A (DFNB1A). Also called: Deafness, autosomal recessive 1A; GJB2-Related Autosomal Recessive Nonsyndromic Hearing Loss; GJB6-Related DFNB 1 Nonsyndromic Hearing Loss and Deafness; Nonsyndromic Hearing Loss and Deafness, DFNB1; Connexin 26 deafness; Deafness nonsyndromic, Connexin 26 linked. Identifiers: Orphanet 90636, MedGen C2673759, MONDO:0009076, OMIM 220290.

Submissions (2):

Natera, Inc.
Classification: Likely pathogenic for Autosomal recessive deafness type 1A. Last evaluated: 2025-07-16. Review status: criteria provided, single submitter. Criteria: Natera Variant Classification Schema (03/2026). Collection method: clinical testing. Allele origin: germline.
Comment: The c.148G>T variant in GJB2 is a missense variant predicted to cause substitution of aspartic acid to tyrosine at amino acid 50. This variant is rare in the general population with a frequency below the threshold expected for the associated phenotype(s). This variant has been observed in affected individual(s) with monoallelic occurrence (heterozygous/hemizygous) (PMID: 12752120, 33344363, 36066012). This variant has been confirmed as or assumed to be a de novo occurrence in one or more affected individuals (PMID: 12752120, 36066012). Computational prediction algorithms indicate this variant is likely to affect gene or protein function. Given the available evidence, this variant is classified as Likely Pathogenic.

OMIM
Classification: Pathogenic for KERATITIS-ICHTHYOSIS-DEAFNESS SYNDROME, AUTOSOMAL DOMINANT. Last evaluated: 2004-01-01. Review status: no assertion criteria provided. Collection method: literature only. Allele origin: germline. Not counted in ClinVar's aggregate classification.

Literature cited by the submitters: PubMed 12752120 (cited by Natera, Inc. and OMIM); PubMed 33344363 (cited by Natera, Inc.); PubMed 36066012 (cited by Natera, Inc.); PubMed 14700667 (cited by OMIM).

NM_004004.6(GJB2):c.148G>T (p.Asp50Tyr)

Gene: GJB2 (gap junction protein beta 2; minus strand). Cytogenetic location: 13q12.11.
Variant type: single nucleotide variant.
Coding change: c.148G>T on transcript NM_004004.6 (MANE Select); coding-DNA position 148, G replaced by T.
Protein change: p.Asp50Tyr; replaces aspartic acid 50 with tyrosine.
Molecular consequence: missense variant.
Genome position (GRCh38, 1-based): chr13:20,189,434, C>A on the plus strand (G>T on the coding strand, the complement: GJB2 is on the minus strand). VCF-style: chr13-20189434-C-A. GRCh37 (hg19) VCF-style: chr13-20763573-C-A.
Other names: c.148G>T (NM_004004.5); short protein forms D50Y.
Identifiers: ClinVar variation 17028 (VCV000017028.3), dbSNP rs28931594, ClinGen allele CA127031.